The following is an entry in ClinVar:

ClinVar aggregate classification (germline): Uncertain significance (1 of 4 stars; one submission).

Conditions:
Inborn genetic diseases. Identifiers: MedGen C0950123, MeSH D030342.

gnomAD v4.1: 1 of 1,614,080 alleles (0.000062%); highest among the groups gnomAD compares: Non-Finnish European, 0.000085%; no homozygotes.

Submission:

Ambry Genetics
Classification: Uncertain significance for Inborn genetic diseases. Last evaluated: 2026-04-02. Review status: criteria provided, single submitter. Criteria: Ambry Variant Classification Scheme 2023. Collection method: clinical testing. Allele origin: germline.
Comment: The p.Y516D variant (also known as c.1546T>G), located in coding exon 14 of the DDX41 gene, results from a T to G substitution at nucleotide position 1546. The tyrosine at codon 516 is replaced by aspartic acid, an amino acid with highly dissimilar properties. This amino acid position is highly conserved in available vertebrate species. In addition, this alteration is predicted to be deleterious by in silico analysis. Based on the available evidence, the clinical significance of this variant remains unclear.

NM_016222.4(DDX41):c.1546T>G (p.Tyr516Asp)

Gene: DDX41 (DEAD-box helicase 41; minus strand). Cytogenetic location: 5q35.3.
Variant type: single nucleotide variant.
Coding change: c.1546T>G on transcript NM_016222.4 (MANE Select); coding-DNA position 1546, T replaced by G.
Protein change: p.Tyr516Asp; replaces tyrosine 516 with aspartic acid.
Molecular consequence: missense variant.
Genome position (GRCh38, 1-based): chr5:177,512,499, A>C on the plus strand (T>G on the coding strand, the complement: DDX41 is on the minus strand). VCF-style: chr5-177512499-A-C. GRCh37 (hg19) VCF-style: chr5-176939500-A-C.
Other names: c.1168T>G, p.Tyr390Asp (NM_001321732.2, NM_001321830.2); short protein forms Y390D, Y516D.
Identifiers: ClinVar variation 4869635 (VCV004869635.1).
Genomic context (GRCh38, chr5:177,512,499, plus strand): 5'-GGGCCTGGCTTGGCCCTTTTCCGGCCTAACCCATGCCCTTGGGCCCCAGGCTCTTACCAT[A>C]GTTCTCAATCTCCTCTGGCATGTCATAATTGATGACGTGCTGGATGGCAGGGAAGTCCAG-3'
Protein context (NP_057306.2, residues 506-526): NYDMPEEIEN[Tyr516Asp]VHRIGRTGRS